The following is an entry in ClinVar:

NM_004208.4(AIFM1):c.1674G>C (p.Glu558Asp)

Genes: AIFM1 (apoptosis inducing factor mitochondria associated 1; minus strand), RAB33A (RAB33A, member RAS oncogene family; plus strand). Cytogenetic location: Xq26.1.
Variant type: single nucleotide variant.
Coding change: c.1674G>C on transcript NM_004208.4 (MANE Select); coding-DNA position 1674, G replaced by C.
Protein change: p.Glu558Asp; replaces glutamic acid 558 with aspartic acid.
Molecular consequence: missense variant. On other transcripts: 3 prime UTR variant (1), non-coding transcript variant (1).
Genome position (GRCh38, 1-based): chrX:130,130,066, C>G on the plus strand (G>C on the coding strand, the complement: AIFM1 is on the minus strand). VCF-style: chrX-130130066-C-G. GRCh37 (hg19) VCF-style: chrX-129264041-C-G.
Other names: c.657G>C, p.Glu219Asp (NM_001130846.4); c.*902G>C (NM_001130847.4); c.1662G>C, p.Glu554Asp (NM_145812.3); short protein forms E558D, E219D, E554D.
Identifiers: ClinVar variation 1400621 (VCV001400621.8), dbSNP rs1391324425, ClinGen allele CA414568570.
Genomic context (GRCh38, chrX:130,130,066, plus strand): 5'-TAGCACAATCCCCACGACCACTTTGTCCCTGAGGTAGAAGATGACACCTTTGCCGTAGTC[C>G]TCCCCCTGGACGGGAGCCTGTGGAACTGCCGGGGTGCTGGGAGGAATAGTAATTTCTGAG-3'
Protein context (NP_004199.1, residues 548-568): PAVPQAPVQG[Glu558Asp]DYGKGVIFYL

ClinVar aggregate classification (germline): Uncertain significance (1 of 4 stars; one submission).

Conditions:
Charcot-Marie-Tooth Neuropathy X. Identifiers: MedGen CN118851.
Combined oxidative phosphorylation deficiency. Identifiers: MedGen C4540031, MONDO:0000732.

Allele frequency attached by ClinVar (database versions not stated): gnomAD exomes below 0.00001 and 0.00001; TOPMed below 0.00001.
gnomAD v4.1: 1 of 1,211,848 alleles (0.000083%); highest among the groups gnomAD compares: Non-Finnish European, 0.00011%; no homozygotes.

Submission:

Labcorp Genetics (formerly Invitae), Labcorp
Classification: Uncertain significance for Charcot-Marie-Tooth Neuropathy X; Combined oxidative phosphorylation deficiency. Last evaluated: 2025-01-06. Review status: criteria provided, single submitter. Criteria: Invitae Variant Classification Sherloc (09022015). Collection method: clinical testing. Allele origin: germline.
Comment: This sequence change replaces glutamic acid, which is acidic and polar, with aspartic acid, which is acidic and polar, at codon 558 of the AIFM1 protein (p.Glu558Asp). This variant is present in population databases (no rsID available, gnomAD 0.001%), including at least one homozygous and/or hemizygous individual. This variant has not been reported in the literature in individuals affected with AIFM1-related conditions. ClinVar contains an entry for this variant (Variation ID: 1400621). Invitae Evidence Modeling of protein sequence and biophysical properties (such as structural, functional, and spatial information, amino acid conservation, physicochemical variation, residue mobility, and thermodynamic stability) indicates that this missense variant is not expected to disrupt AIFM1 protein function with a negative predictive value of 80%. In summary, the available evidence is currently insufficient to determine the role of this variant in disease. Therefore, it has been classified as a Variant of Uncertain Significance.